The following is an entry in ClinVar:

ClinVar aggregate classification (germline): Uncertain significance. Review status: criteria provided, multiple submitters, no conflicts (2 of 4 stars). 2 submissions from 2 submitters: Uncertain significance (2). Last evaluated 2026-09-01.

Conditions:
Hereditary cancer-predisposing syndrome. Also called: Tumor predisposition; Hereditary Cancer Syndrome; Hereditary neoplastic syndrome; Neoplastic Syndromes, Hereditary. Identifiers: Orphanet 140162, MedGen C0027672, MeSH D009386, MONDO:0015356.
Cardiovascular phenotype. Identifiers: MedGen CN230736.
Neurofibromatosis, type 1 (NF1). Also called: NEUROFIBROMATOSIS, TYPE I, SOMATIC; Peripheral type neurofibromatosis; VON RECKLINGHAUSEN DISEASE; Neurofibromatosis, type I. Identifiers: Orphanet 636, MedGen C0027831, MONDO:0018975, OMIM 162200. Disease mechanism: loss of function.

Submissions (2):

Ambry Genetics
Classification: Uncertain significance for Cardiovascular phenotype; Hereditary cancer-predisposing syndrome. Last evaluated: 2026-09-01. Review status: criteria provided, single submitter. Criteria: Ambry Variant Classification Scheme 2023. Collection method: clinical testing. Allele origin: germline.
Comment: The p.G638V variant (also known as c.1913G>T), located in coding exon 17 of the NF1 gene, results from a G to T substitution at nucleotide position 1913. The glycine at codon 638 is replaced by valine, an amino acid with dissimilar properties. This amino acid position is conserved. In addition, this alteration is predicted to be tolerated by in silico analysis. Based on the available evidence, the clinical significance of this variant remains unclear.

Labcorp Genetics (formerly Invitae), Labcorp
Classification: Uncertain significance for Neurofibromatosis, type 1. Last evaluated: 2024-06-25. Review status: criteria provided, single submitter. Criteria: Invitae Variant Classification Sherloc (09022015). Collection method: clinical testing. Allele origin: germline.
Comment: This sequence change replaces glycine, which is neutral and non-polar, with valine, which is neutral and non-polar, at codon 638 of the NF1 protein (p.Gly638Val). This variant is not present in population databases (gnomAD no frequency). This variant has not been reported in the literature in individuals affected with NF1-related conditions. ClinVar contains an entry for this variant (Variation ID: 2125824). Advanced modeling of protein sequence and biophysical properties (such as structural, functional, and spatial information, amino acid conservation, physicochemical variation, residue mobility, and thermodynamic stability) performed at Invitae indicates that this missense variant is not expected to disrupt NF1 protein function with a negative predictive value of 95%. Algorithms developed to predict the effect of sequence changes on RNA splicing suggest that this variant may disrupt the consensus splice site. In summary, the available evidence is currently insufficient to determine the role of this variant in disease. Therefore, it has been classified as a Variant of Uncertain Significance.

NM_001042492.3(NF1):c.1913G>T (p.Gly638Val)

Gene: NF1 (neurofibromin 1; plus strand). Cytogenetic location: 17q11.2.
Variant type: single nucleotide variant.
Coding change: c.1913G>T on transcript NM_001042492.3 (MANE Select); coding-DNA position 1913, G replaced by T.
Protein change: p.Gly638Val; replaces glycine 638 with valine.
Molecular consequence: missense variant.
Genome position (GRCh38, 1-based): chr17:31,225,162, G>T. VCF-style: chr17-31225162-G-T. GRCh37 (hg19) VCF-style: chr17-29552180-G-T.
Other names: c.1913G>T, p.Gly638Val (NM_000267.4); short protein forms G638V.
Identifiers: ClinVar variation 2125824 (VCV002125824.5), dbSNP rs2144026658, ClinGen allele CA399005284.